The following is an entry in ClinVar:

ClinVar aggregate classification (germline): Likely pathogenic (1 of 4 stars; one submission).

Conditions:
Autosomal recessive Alport syndrome (ATS2). Also called: Alport syndrome type 2; COL4A4 Alport Syndrome and Thin Basement Membrane Nephropathy; ALPORT SYNDROME 2, AUTOSOMAL RECESSIVE; COL4A3-Related Nephropathy. Identifiers: Orphanet 63, Orphanet 88919, MedGen C4746745, MONDO:0008762, OMIM 203780.

Submission:

Myriad Genetics, Inc.
Classification: Likely pathogenic for Autosomal recessive Alport syndrome. Last evaluated: 2022-05-18. Review status: criteria provided, single submitter. Criteria: Myriad Women's Health Autosomal Recessive and X-Linked Classification Criteria (2021). Collection method: clinical testing. Allele origin: unknown.
Comment: NM_000091.4(COL4A3):c.803dupG(E269Rfs*18) is expected to be pathogenic in the context of COL4A3-related Alport syndrome. This variant is predicted to lead to an abnormal or absent protein product due to the creation of a premature termination codon in COL4A3, a gene where loss-of-function variants are known to be pathogenic. Please note: this variant was assessed in the context of healthy population screening.

NM_000091.5(COL4A3):c.803dup (p.Glu269fs)

Genes: COL4A3 (collagen type IV alpha 3 chain; plus strand), MFF-DT (MFF divergent transcript; minus strand). Cytogenetic location: 2q36.3.
Variant type: Duplication.
Coding change: c.803dup on transcript NM_000091.5 (MANE Select); coding-DNA position 803, one base duplicated (G; older notation c.803dupG).
Protein change: p.Glu269fs; shifts the reading frame from glutamic acid 269.
Molecular consequence: frameshift variant.
Genome position (GRCh38, 1-based): chr2:227,254,149, G duplicated; the last of 3 consecutive G bases (chr2:227,254,147-227,254,149); duplicating any one gives the same sequence. VCF-style (leftmost placement, unchanged base first): chr2-227254146-T-TG. GRCh37 (hg19) VCF-style: chr2-228118862-T-TG.
Other names: short protein forms E269fs.
Identifiers: ClinVar variation 1726108 (VCV001726108.2), dbSNP rs2469568674, ClinGen allele CA2580065961.